The following is an entry in ClinVar:

ClinVar aggregate classification (germline): Uncertain significance (1 of 4 stars; one submission).

Submission:

Labcorp Genetics (formerly Invitae), Labcorp
Classification: Uncertain significance. Last evaluated: 2022-08-12. Review status: criteria provided, single submitter. Criteria: Invitae Variant Classification Sherloc (09022015). Collection method: clinical testing. Allele origin: germline.
Comment: In summary, the available evidence is currently insufficient to determine the role of this variant in disease. Therefore, it has been classified as a Variant of Uncertain Significance. Algorithms developed to predict the effect of missense changes on protein structure and function (SIFT, PolyPhen-2, Align-GVGD) all suggest that this variant is likely to be disruptive. This variant has not been reported in the literature in individuals affected with MPDZ-related conditions. This variant is not present in population databases (gnomAD no frequency). This sequence change replaces alanine, which is neutral and non-polar, with threonine, which is neutral and polar, at codon 1231 of the MPDZ protein (p.Ala1231Thr).

NM_001378778.1(MPDZ):c.3691G>A (p.Ala1231Thr)

Gene: MPDZ (multiple PDZ domain crumbs cell polarity complex component; minus strand). Cytogenetic location: 9p23.
Variant type: single nucleotide variant.
Coding change: c.3691G>A on transcript NM_001378778.1 (MANE Select); coding-DNA position 3691, G replaced by A.
Protein change: p.Ala1231Thr; replaces alanine 1231 with threonine.
Molecular consequence: missense variant. On other transcripts: intron variant (8).
Genome position (GRCh38, 1-based): chr9:13,147,598, C>T on the plus strand (G>A on the coding strand, the complement: MPDZ is on the minus strand). VCF-style: chr9-13147598-C-T. GRCh37 (hg19) VCF-style: chr9-13147597-C-T.
Other names: c.3691G>A, p.Ala1231Thr (NM_001261406.2, NM_001261407.2, NM_001330637.2 and 6 more transcripts); c.3630+2913G>A (NM_001375425.1, NM_001375420.1, NM_001375423.1 and 4 more transcripts); c.3432+2913G>A (NM_001375427.1); short protein forms A1231T.
Identifiers: ClinVar variation 1716270 (VCV001716270.5), dbSNP rs2490461414, ClinGen allele CA372950469.
Genomic context (GRCh38, chr9:13,147,598, plus strand): 5'-GTTCGCTTACCCTTGGTCTGTTTATAATGCTCTGTACCATAAAGACTACAGGGTTGCCTG[C>T]TTTCCGAATGGCTTCCACAGCTTGTTCATGGCTTGCATCTCTGAGGTCCATTCCATCCAC-3'
Protein context (NP_001365707.1, residues 1221-1241): HEQAVEAIRK[Ala1231Thr]GNPVVFMVQS